The following is an entry in ClinVar:

NM_018026.4(PACS1):c.1504G>T (p.Val502Leu)

Gene: PACS1 (phosphofurin acidic cluster sorting protein 1; plus strand). Cytogenetic location: 11q13.2.
Variant type: single nucleotide variant.
Coding change: c.1504G>T on transcript NM_018026.4 (MANE Select); coding-DNA position 1504, G replaced by T.
Protein change: p.Val502Leu; replaces valine 502 with leucine.
Molecular consequence: missense variant.
Genome position (GRCh38, 1-based): chr11:66,230,818, G>T. VCF-style: chr11-66230818-G-T. GRCh37 (hg19) VCF-style: chr11-65998289-G-T.
Other names: short protein forms V502L.
Identifiers: ClinVar variation 2185421 (VCV002185421.4), dbSNP rs1185372426, ClinGen allele CA381367041.

ClinVar aggregate classification (germline): Uncertain significance (1 of 4 stars; one submission).

Conditions:
Schuurs-Hoeijmakers syndrome. Also called: PACS1-Related Neurodevelopmental Disorder. Identifiers: Orphanet 329224, MedGen C3554343, MONDO:0014006, OMIM 615009.

Allele frequency attached by ClinVar (database versions not stated): gnomAD exomes 0.00001; gnomAD 0.00001.
gnomAD v4.1: 10 of 1,614,044 alleles (0.00062%); highest among the groups gnomAD compares: South Asian, 0.0022%; no homozygotes.

Submission:

Labcorp Genetics (formerly Invitae), Labcorp
Classification: Uncertain significance for Schuurs-Hoeijmakers syndrome. Last evaluated: 2025-12-28. Review status: criteria provided, single submitter. Criteria: Invitae Variant Classification Sherloc (09022015). Collection method: clinical testing. Allele origin: germline.
Comment: This sequence change replaces valine, which is neutral and non-polar, with leucine, which is neutral and non-polar, at codon 502 of the PACS1 protein (p.Val502Leu). This variant is present in population databases (no rsID available, gnomAD 0.006%). This variant has not been reported in the literature in individuals affected with PACS1-related conditions. ClinVar contains an entry for this variant (Variation ID: 2185421). Invitae Evidence Modeling of protein sequence and biophysical properties (such as structural, functional, and spatial information, amino acid conservation, physicochemical variation, residue mobility, and thermodynamic stability) indicates that this missense variant is not expected to disrupt PACS1 protein function with a negative predictive value of 80%. In summary, the available evidence is currently insufficient to determine the role of this variant in disease. Therefore, it has been classified as a Variant of Uncertain Significance.